The following is an entry in ClinVar:

ClinVar aggregate classification (germline): Likely benign. Review status: criteria provided, single submitter (1 of 4 stars). 2 submissions from 2 submitters: Likely benign (1). 1 of the submissions does not count toward it. Last evaluated 2026-01-24.

Conditions:
Beta-D-mannosidosis (MANSB). Also called: Beta-Mannosidosis; MANNOSIDOSIS, BETA A, LYSOSOMAL; BETA-MANNOSIDASE DEFICIENCY; LYSOSOMAL BETA-MANNOSIDASE DEFICIENCY. Identifiers: Orphanet 118, MedGen C4048196, MONDO:0009562, OMIM 248510.
MANBA-related disorder. Also called: MANBA-related condition.

Allele frequency attached by ClinVar (database versions not stated): gnomAD exomes 0.00010 and 0.00005; ExAC 0.00012; TOPMed 0.00046; 1000 Genomes Project 30x 0.00078; gnomAD 0.00031 and 0.00034; 1000 Genomes Project 0.00080; ESP Exome Variant Server 0.00031.
gnomAD v4.1: 126 of 1,612,516 alleles (0.0078%); highest among the groups gnomAD compares: African/African-American, 0.1%; no homozygotes.

Submissions (2):

Labcorp Genetics (formerly Invitae), Labcorp
Classification: Likely benign for Beta-D-mannosidosis. Last evaluated: 2026-01-24. Review status: criteria provided, single submitter. Criteria: Invitae Variant Classification Sherloc (09022015). Collection method: clinical testing. Allele origin: germline.

PreventionGenetics, part of Exact Sciences
Classification: Likely benign for MANBA-related condition. Last evaluated: 2023-06-08. Review status: no assertion criteria provided. Collection method: clinical testing. Allele origin: germline. Not counted in ClinVar's aggregate classification.
Comment: This variant is classified as likely benign based on ACMG/AMP sequence variant interpretation guidelines (Richards et al. 2015 PMID: 25741868, with internal and published modifications).

NM_005908.4(MANBA):c.792C>T (p.Tyr264=)

Gene: MANBA (mannosidase beta; minus strand). Cytogenetic location: 4q24.
Variant type: single nucleotide variant.
Coding change: c.792C>T on transcript NM_005908.4 (MANE Select); coding-DNA position 792, C replaced by T.
Protein change: p.Tyr264=; no amino-acid change (tyrosine 264 retained).
Molecular consequence: synonymous variant.
Genome position (GRCh38, 1-based): chr4:102,690,653, G>A on the plus strand (C>T on the coding strand, the complement: MANBA is on the minus strand). VCF-style: chr4-102690653-G-A. GRCh37 (hg19) VCF-style: chr4-103611810-G-A.
Other names: c.792C>T (NM_005908.3).
Identifiers: ClinVar variation 1109889 (VCV001109889.9), dbSNP rs141619070, ClinGen allele CA3027104.
Genomic context (GRCh38, chr4:102,690,653, plus strand): 5'-TACCTTGCTAATGTTCACAAATAGCTCAACAATCCTTTTCCCAGGTTGAAGTTCAATGCT[G>A]TATGTCTGTTGTGTTTGCAACTTAGGGATGGCTACGATCACTTGACCACCAACTGGCTTT-3'
Protein context (NP_005899.3, residues 254-274): AIPKLQTQQT[Tyr264=]SIELQPGKRI